The following is an entry in ClinVar:

NM_006031.6(PCNT):c.5710G>T (p.Ala1904Ser)

Gene: PCNT (pericentrin; plus strand). Cytogenetic location: 21q22.3.
Variant type: single nucleotide variant.
Coding change: c.5710G>T on transcript NM_006031.6 (MANE Select); coding-DNA position 5710, G replaced by T.
Protein change: p.Ala1904Ser; replaces alanine 1904 with serine.
Molecular consequence: missense variant.
Genome position (GRCh38, 1-based): chr21:46,411,783, G>T. VCF-style: chr21-46411783-G-T. GRCh37 (hg19) VCF-style: chr21-47831697-G-T.
Other names: c.5356G>T, p.Ala1786Ser (NM_001315529.2); short protein forms A1786S, A1904S.
Identifiers: ClinVar variation 1351999 (VCV001351999.6), dbSNP rs200426591, ClinGen allele CA410556174.

ClinVar aggregate classification (germline): Uncertain significance (1 of 4 stars; one submission).

gnomAD v4.1: 1 of 1,602,812 alleles (0.000062%); highest among the groups gnomAD compares: Non-Finnish European, 0.000085%; no homozygotes.

Submission:

Labcorp Genetics (formerly Invitae), Labcorp
Classification: Uncertain significance. Last evaluated: 2025-03-17. Review status: criteria provided, single submitter. Criteria: Invitae Variant Classification Sherloc (09022015). Collection method: clinical testing. Allele origin: germline.
Comment: This sequence change replaces alanine, which is neutral and non-polar, with serine, which is neutral and polar, at codon 1904 of the PCNT protein (p.Ala1904Ser). The frequency data for this variant in the population databases is considered unreliable, as metrics indicate poor data quality at this position in the gnomAD database. This variant has not been reported in the literature in individuals affected with PCNT-related conditions. ClinVar contains an entry for this variant (Variation ID: 1351999). An algorithm developed to predict the effect of missense changes on protein structure and function outputs the following: PolyPhen-2: "Benign". The serine amino acid residue is found in multiple mammalian species, which suggests that this missense change does not adversely affect protein function. In summary, the available evidence is currently insufficient to determine the role of this variant in disease. Therefore, it has been classified as a Variant of Uncertain Significance.